The following is an entry in ClinVar:

NM_018896.5(CACNA1G):c.1468T>G (p.Ser490Ala)

Gene: CACNA1G (calcium voltage-gated channel subunit alpha1 G; plus strand). Cytogenetic location: 17q21.33.
Variant type: single nucleotide variant.
Coding change: c.1468T>G on transcript NM_018896.5 (MANE Select); coding-DNA position 1468, T replaced by G.
Protein change: p.Ser490Ala; replaces serine 490 with alanine.
Molecular consequence: missense variant. On other transcripts: non-coding transcript variant (5).
Genome position (GRCh38, 1-based): chr17:50,575,870, T>G. VCF-style: chr17-50575870-T-G. GRCh37 (hg19) VCF-style: chr17-48653231-T-G.
Other names: c.1468T>G, p.Ser490Ala (NM_001256324.2, NM_001256325.2, NM_001256326.2 and 24 more transcripts); short protein forms S490A.
Identifiers: ClinVar variation 1699312 (VCV001699312.3), dbSNP rs2040529103, ClinGen allele CA400237436.

ClinVar aggregate classification (germline): Uncertain significance (1 of 4 stars; one submission).

Conditions:
Spinocerebellar ataxia type 42. Identifiers: Orphanet 458803, MedGen C4225205, MONDO:0014776, OMIM 616795.

Submission:

Victorian Clinical Genetics Services, Murdoch Childrens Research Institute
Classification: Uncertain significance for Spinocerebellar ataxia type 42. Last evaluated: 2022-02-02. Review status: criteria provided, single submitter. Criteria: ACMG Guidelines, 2015. Collection method: clinical testing. Allele origin: germline. Inheritance: Autosomal dominant inheritance.
Comment: Based on the classification scheme VCGS_Germline_v1.3.4, this variant is classified as VUS-3B. Following criteria are met: 0101 - Gain of function is a mechanism of disease in this gene and is associated with developmental delay with early onset epileptic encephalopathy (PMID: 32878331, PMID: 32736238). Loss of function has been suggested for spinocerebellar ataxia 42 (MIM#616795) and severe, early-onset spinocerebellar ataxia 42, with neurodevelopmental deficits (MIM#618087); however, evidence demonstrating this is currently limited (PMID: 29878067). (I) 0107 - This gene is associated with autosomal dominant disease. (I) 0200 - Variant is predicted to result in a missense amino acid change from serine to alanine. (I) 0251 - This variant is heterozygous. (I) 0301 - Variant is absent from gnomAD (both v2 and v3). (SP) 0502 - Missense variant with conflicting in silico predictions and uninformative conservation. (I) 0604 - Variant is not located in an established domain, motif, hotspot or informative constraint region. (I) 0705 - No comparable missense variants have previous evidence for pathogenicity. (I) 0807 - This variant has no previous evidence of pathogenicity. (I) 0905 - No published segregation evidence has been identified for this variant. (I) 1007 - No published functional evidence has been identified for this variant. (I) 1208 - Inheritance information for this variant is not currently available in this individual. (I) Legend: (SP) - Supporting pathogenic, (I) - Information, (SB) - Supporting benign

Literature cited by the submitters: PubMed 29878067; PubMed 32736238; PubMed 32878331.